The following is an entry in ClinVar:

ClinVar aggregate classification (germline): Likely pathogenic (0 of 4 stars; one submission).

Conditions:
Distal arthrogryposis type 5D (DA5D). Identifiers: Orphanet 329457, MedGen C3554415, MONDO:0014028, OMIM 615065.

Submission:

Institute of Human Genetics, Cologne University
Classification: Likely pathogenic for Distal arthrogryposis type 5D. Review status: no assertion criteria provided. Collection method: clinical testing. Allele origin: germline. Affected: yes.
Comment: Detected in compound heterozygous state with another class-4 (likely pathogenic) variant.

NM_004826.4(ECEL1):c.1990-3C>G

Gene: ECEL1 (endothelin converting enzyme like 1; minus strand). Cytogenetic location: 2q37.1.
Variant type: single nucleotide variant.
Coding change: c.1990-3C>G on transcript NM_004826.4 (MANE Select); 3 bases into the intron before coding-DNA position 1990, C replaced by G.
Molecular consequence: intron variant.
Genome position (GRCh38, 1-based): chr2:232,481,159, G>C on the plus strand (C>G on the coding strand, the complement: ECEL1 is on the minus strand). VCF-style: chr2-232481159-G-C. GRCh37 (hg19) VCF-style: chr2-233345869-G-C.
Other names: c.1984-3C>G (NM_001290787.2).
Identifiers: ClinVar variation 599020 (VCV000599020.1), dbSNP rs1229171141, ClinGen allele CA431791237.